The following is an entry in ClinVar:

ClinVar aggregate classification (germline): Likely benign. Review status: criteria provided, single submitter (1 of 4 stars). 2 submissions from 2 submitters: Likely benign (1). 1 of the submissions does not count toward it. Last evaluated 2025-12-26.

Conditions:
NTRK2-related disorder. Also called: NTRK2-related condition.

Allele frequency attached by ClinVar (database versions not stated): gnomAD 0.00006; TOPMed 0.00010.
gnomAD v4.1: 12 of 1,613,992 alleles (0.00074%); highest among the groups gnomAD compares: Admixed American, 0.013%; no homozygotes.

Submissions (2):

Labcorp Genetics (formerly Invitae), Labcorp
Classification: Likely benign. Last evaluated: 2025-12-26. Review status: criteria provided, single submitter. Criteria: Invitae Variant Classification Sherloc (09022015). Collection method: clinical testing. Allele origin: germline.

PreventionGenetics, part of Exact Sciences
Classification: Likely benign for NTRK2-related condition. Last evaluated: 2024-05-15. Review status: no assertion criteria provided. Collection method: clinical testing. Allele origin: germline. Not counted in ClinVar's aggregate classification.
Comment: This variant is classified as likely benign based on ACMG/AMP sequence variant interpretation guidelines (Richards et al. 2015 PMID: 25741868, with internal and published modifications).

NM_006180.6(NTRK2):c.2514C>T (p.Gly838=)

Gene: NTRK2 (neurotrophic receptor tyrosine kinase 2; plus strand). Cytogenetic location: 9q21.33.
Variant type: single nucleotide variant.
Coding change: c.2514C>T on transcript NM_006180.6 (MANE Select); coding-DNA position 2514, C replaced by T.
Protein change: p.Gly838=; no amino-acid change (glycine 838 retained).
Molecular consequence: synonymous variant.
Genome position (GRCh38, 1-based): chr9:85,021,434, C>T. VCF-style: chr9-85021434-C-T. GRCh37 (hg19) VCF-style: chr9-87636349-C-T.
Other names: c.2466C>T, p.Gly822= (NM_001018064.3, NM_001369532.1, NM_001369533.1); c.2430C>T, p.Gly810= (NM_001369534.1); c.1998C>T, p.Gly666= (NM_001369535.1); c.2046C>T, p.Gly682= (NM_001369536.1); c.2514C>T (NM_006180.4).
Identifiers: ClinVar variation 1418966 (VCV001418966.9), dbSNP rs973334596, ClinGen allele CA195831036.